The following is an entry in ClinVar:

NM_004239.4(TRIP11):c.5392C>T (p.Gln1798Ter)

Gene: TRIP11 (thyroid hormone receptor interactor 11; minus strand). Cytogenetic location: 14q32.12.
Variant type: single nucleotide variant.
Coding change: c.5392C>T on transcript NM_004239.4 (MANE Select); coding-DNA position 5392, C replaced by T.
Protein change: p.Gln1798Ter; replaces glutamine 1798 with a stop codon.
Molecular consequence: nonsense.
Genome position (GRCh38, 1-based): chr14:91,975,237, G>A on the plus strand (C>T on the coding strand, the complement: TRIP11 is on the minus strand). VCF-style: chr14-91975237-G-A. GRCh37 (hg19) VCF-style: chr14-92441581-G-A.
Other names: c.5389C>T, p.Gln1797Ter (NM_001321851.1); short protein forms Q1798*, Q1797*.
Identifiers: ClinVar variation 2017964 (VCV002017964.4), dbSNP rs760028443, ClinGen allele CA7313172.

ClinVar aggregate classification (germline): Pathogenic (1 of 4 stars; one submission).

Conditions:
Achondrogenesis, type IA (ACG1A). Identifiers: Orphanet 932, Orphanet 93299, MedGen C0265273, MONDO:0008701, OMIM 200600.

Allele frequency attached by ClinVar (database versions not stated): gnomAD exomes below 0.00001; TOPMed below 0.00001; ExAC 0.00001.
gnomAD v4.1: 5 of 1,613,754 alleles (0.00031%); highest among the groups gnomAD compares: Non-Finnish European, 0.00042%; no homozygotes.

Submission:

Labcorp Genetics (formerly Invitae), Labcorp
Classification: Pathogenic for Achondrogenesis, type IA. Last evaluated: 2024-02-13. Review status: criteria provided, single submitter. Criteria: Invitae Variant Classification Sherloc (09022015). Collection method: clinical testing. Allele origin: germline.
Comment: This sequence change creates a premature translational stop signal (p.Gln1798*) in the TRIP11 gene. It is expected to result in an absent or disrupted protein product. Loss-of-function variants in TRIP11 are known to be pathogenic (PMID: 20089971, 23956106). This variant is present in population databases (rs760028443, gnomAD 0.0009%). This variant has not been reported in the literature in individuals affected with TRIP11-related conditions. ClinVar contains an entry for this variant (Variation ID: 2017964). Algorithms developed to predict the effect of sequence changes on RNA splicing suggest that this variant may disrupt the consensus splice site. For these reasons, this variant has been classified as Pathogenic.

Literature cited by the submitters: PubMed 20089971; PubMed 23956106.